The following is an entry in ClinVar:

NM_001267550.2(TTN):c.26485C>T (p.Pro8829Ser)

Gene: TTN (titin; minus strand). Cytogenetic location: 2q31.2.
Variant type: single nucleotide variant.
Coding change: c.26485C>T on transcript NM_001267550.2 (MANE Select); coding-DNA position 26485, C replaced by T.
Protein change: p.Pro8829Ser; replaces proline 8829 with serine.
Molecular consequence: missense variant. On other transcripts: intron variant (3).
Genome position (GRCh38, 1-based): chr2:178,714,173, G>A on the plus strand (C>T on the coding strand, the complement: TTN is on the minus strand). VCF-style: chr2-178714173-G-A. GRCh37 (hg19) VCF-style: chr2-179578900-G-A.
Other names: c.25534C>T, p.Pro8512Ser (NM_001256850.1); c.22753C>T, p.Pro7585Ser (NM_133378.4); c.13282+23909C>T (NM_003319.4); c.13858+23909C>T (NM_133437.4); c.13657+23909C>T (NM_133432.3); short protein forms P7585S, P8512S, P8829S.
Identifiers: ClinVar variation 4278800 (VCV004278800.1).

ClinVar aggregate classification (germline): Uncertain significance (1 of 4 stars; one submission).

gnomAD v4.1: 11 of 1,605,652 alleles (0.00069%); highest among the groups gnomAD compares: Non-Finnish European, 0.00093%; no homozygotes.

Submission:

GeneDx
Classification: Uncertain significance. Last evaluated: 2025-04-01. Review status: criteria provided, single submitter. Criteria: GeneDx Variant Classification Process June 2021. Collection method: clinical testing. Allele origin: germline. Affected: yes.
Comment: Not observed at significant frequency in large population cohorts (gnomAD); Missense variant in a gene in which most reported pathogenic variants are truncating/loss of function; Has not been previously published as pathogenic or benign to our knowledge